The following is an entry in ClinVar:

ClinVar aggregate classification (germline): Likely pathogenic (1 of 4 stars; one submission).

Conditions:
Blepharocheilodontic syndrome 2 (BCDS2). Identifiers: MedGen C4540127, MONDO:0040503, OMIM 617681.

Submission:

Laboratorio de Genetica e Diagnostico Molecular, Hospital Israelita Albert Einstein
Classification: Likely pathogenic for Blepharocheilodontic syndrome 2. Last evaluated: 2024-01-24. Review status: criteria provided, single submitter. Criteria: ACMG Guidelines, 2015. Collection method: clinical testing. Allele origin: germline. Affected: yes.
Comment: ACMG classification criteria: PVS1 very strong, PM2 supporting

NM_001085458.2(CTNND1):c.1722+2T>G

Genes: CTNND1 (catenin delta 1; plus strand), TMX2-CTNND1 (TMX2-CTNND1 readthrough (NMD candidate); plus strand). Cytogenetic location: 11q12.1.
Variant type: single nucleotide variant.
Coding change: c.1722+2T>G on transcript NM_001085458.2 (MANE Select); the canonical splice donor site of the intron after coding-DNA position 1722, T replaced by G.
Molecular consequence: splice donor variant.
Genome position (GRCh38, 1-based): chr11:57,804,782, T>G. VCF-style: chr11-57804782-T-G. GRCh37 (hg19) VCF-style: chr11-57572254-T-G.
Other names: c.1722+2T>G (NM_001206885.2, NM_001085459.2, NM_001085461.2 and 3 more transcripts); c.1560+2T>G (NM_001206891.2, NM_001206889.2, NM_001206883.2 and 4 more transcripts); c.1419+2T>G (NM_001085467.2, NM_001206890.2, NM_001085463.2 and 5 more transcripts).
Identifiers: ClinVar variation 3901930 (VCV003901930.1).